The following is an entry in ClinVar:

Conditions:
Long QT syndrome 5 (LQT5). Identifiers: Orphanet 101016, Orphanet 768, MedGen C1867904, MONDO:0013372, OMIM 613695.

Submission:

Roden Lab, Vanderbilt University Medical Center
No classification provided (evidence only). Condition: Long QT syndrome 5. Review status: no classification provided. Collection method: in vitro. Allele origin: not applicable. Functional consequence: Effect on ion channel function.
ClinVar note: "not provided" was previously submitted as the classification for the variant. However, the classification appeared to be based only on an observation of functional data so it was converted to no classification on 2025-07-30.

NM_000219.6(KCNE1):c.213G>T (p.Leu71=)

Gene: KCNE1 (potassium voltage-gated channel subfamily E regulatory subunit 1; minus strand). Cytogenetic location: 21q22.12.
Variant type: single nucleotide variant.
Coding change: c.213G>T on transcript NM_000219.6 (MANE Select); coding-DNA position 213, G replaced by T.
Protein change: p.Leu71=; no amino-acid change (leucine 71 retained).
Molecular consequence: synonymous variant.
Genome position (GRCh38, 1-based): chr21:34,449,422, C>A on the plus strand (G>T on the coding strand, the complement: KCNE1 is on the minus strand). VCF-style: chr21-34449422-C-A. GRCh37 (hg19) VCF-style: chr21-35821720-C-A.
Other names: c.213G>T, p.Leu71= (NM_001127668.4, NM_001127669.4, NM_001127670.4 and 4 more transcripts).
Identifiers: ClinVar variation 3374345 (VCV003374345.2).